The following is an entry in ClinVar:

NM_015046.7(SETX):c.7432A>G (p.Thr2478Ala)

Gene: SETX (senataxin; minus strand). Cytogenetic location: 9q34.13.
Variant type: single nucleotide variant.
Coding change: c.7432A>G on transcript NM_015046.7 (MANE Select); coding-DNA position 7432, A replaced by G.
Protein change: p.Thr2478Ala; replaces threonine 2478 with alanine.
Molecular consequence: missense variant.
Genome position (GRCh38, 1-based): chr9:132,264,841, T>C on the plus strand (A>G on the coding strand, the complement: SETX is on the minus strand). VCF-style: chr9-132264841-T-C. GRCh37 (hg19) VCF-style: chr9-135140228-T-C.
Other names: c.7432A>G, p.Thr2478Ala (NM_001351527.2); c.7519A>G, p.Thr2507Ala (NM_001351528.2); short protein forms T2478A, T2507A.
Identifiers: ClinVar variation 448346 (VCV000448346.23), dbSNP rs142303658, ClinGen allele CA5296390.

ClinVar aggregate classification (germline): Conflicting classifications of pathogenicity. Review status: criteria provided, conflicting classifications (1 of 4 stars). 10 submissions from 10 submitters: Uncertain significance (2); Benign (1); Likely benign (4). 3 of the submissions do not count toward it. Last evaluated 2026-08-10.

Conditions:
SETX-related disorder. Also called: SETX-related disorders; SETX-related condition. Identifiers: MedGen CN239403.
Inborn genetic diseases. Identifiers: MedGen C0950123, MeSH D030342.
Amyotrophic lateral sclerosis type 4 (ALS4). Also called: AMYOTROPHIC LATERAL SCLEROSIS 4, JUVENILE; NEURONOPATHY, DISTAL HEREDITARY MOTOR, WITH PYRAMIDAL FEATURES. Identifiers: Orphanet 357043, MedGen C1865409, MONDO:0011223, OMIM 602433.
Spinocerebellar ataxia, autosomal recessive, with axonal neuropathy 2 (SCAN2). Also called: Ataxia-ocular apraxia-2; Ataxia with Oculomotor Apraxia Type 2; ATAXIA-OCULOMOTOR APRAXIA 2; Ataxia with Oculomotor Apraxia. Identifiers: Orphanet 64753, MedGen C1853761, MONDO:0018996, OMIM 606002.

Allele frequency attached by ClinVar (database versions not stated): 1000 Genomes Project 0.00060; 1000 Genomes Project 30x 0.00078; TOPMed 0.00034; gnomAD 0.00038; ESP Exome Variant Server 0.00046.
gnomAD v4.1: 312 of 1,614,110 alleles (0.019%); highest among the groups gnomAD compares: African/African-American, 0.067%; 1 homozygote.

Submissions (10):

Athena Diagnostics
Classification: Benign. Last evaluated: 2026-08-10. Review status: criteria provided, single submitter. Criteria: Athena Diagnostics criteria. Collection method: clinical testing. Allele origin: unknown.

Labcorp Genetics (formerly Invitae), Labcorp
Classification: Likely benign for Amyotrophic lateral sclerosis type 4; Spinocerebellar ataxia, autosomal recessive, with axonal neuropathy 2. Last evaluated: 2025-12-27. Review status: criteria provided, single submitter. Criteria: Invitae Variant Classification Sherloc (09022015). Collection method: clinical testing. Allele origin: germline.

Women's Health and Genetics/Laboratory Corporation of America, LabCorp
Classification: Likely benign. Last evaluated: 2024-09-13. Review status: criteria provided, single submitter. Criteria: LabCorp Variant Classification Summary - May 2015. Collection method: clinical testing. Allele origin: germline.
Comment: Variant summary: SETX c.7432A>G (p.Thr2478Ala) results in a non-conservative amino acid change in the encoded protein sequence. Four of five in-silico tools predict a benign effect of the variant on protein function. The variant allele was found at a frequency of 0.00022 in 251438 control chromosomes, predominantly at a frequency of 0.001 within the African or African-American subpopulation in the gnomAD database. To our knowledge, no occurrence of c.7432A>G in individuals affected with Amyotrophic Lateral Sclerosis Type 4 and no experimental evidence demonstrating its impact on protein function have been reported. ClinVar contains an entry for this variant (Variation ID: 448346). Based on the evidence outlined above, the variant was classified as likely benign.

GeneDx
Classification: Uncertain significance. Last evaluated: 2024-06-13. Review status: criteria provided, single submitter. Criteria: GeneDx Variant Classification Process June 2021. Collection method: clinical testing. Allele origin: germline. Affected: yes.
Comment: In silico analysis indicates that this missense variant does not alter protein structure/function; Has not been previously published as pathogenic or benign to our knowledge; This variant is associated with the following publications: (PMID: 19696032, 15106121, 14770181, 15732101)

Ambry Genetics
Classification: Likely benign for Inborn genetic diseases. Last evaluated: 2021-04-01. Review status: criteria provided, single submitter. Criteria: Ambry Variant Classification Scheme 2023. Collection method: clinical testing. Allele origin: germline.

Dubai Health Genomic Medicine Center, Dubai Health
Classification: Likely benign for Spinocerebellar ataxia, autosomal recessive, with axonal neuropathy 2. Last evaluated: 2021-03-01. Review status: criteria provided, single submitter. Criteria: ACMG Guidelines, 2015. Collection method: clinical testing. Allele origin: germline. Affected: yes.

Fulgent Genetics
Classification: Uncertain significance for Amyotrophic lateral sclerosis type 4; Spinocerebellar ataxia, autosomal recessive, with axonal neuropathy 2. Last evaluated: 2018-10-31. Review status: criteria provided, single submitter. Criteria: ACMG Guidelines, 2015. Collection method: clinical testing. Allele origin: unknown.

PreventionGenetics, part of Exact Sciences
Classification: Likely benign for SETX-related condition. Last evaluated: 2023-01-27. Review status: no assertion criteria provided. Collection method: clinical testing. Allele origin: germline. Not counted in ClinVar's aggregate classification.
Comment: This variant is classified as likely benign based on ACMG/AMP sequence variant interpretation guidelines (Richards et al. 2015 PMID: 25741868, with internal and published modifications).

Clinical Genetics DNA and cytogenetics Diagnostics Lab, Erasmus MC, Erasmus Medical Center
Classification: Likely benign. Review status: no assertion criteria provided. Collection method: clinical testing. Allele origin: germline. Affected: yes. Study: VKGL Data-share Consensus. Not counted in ClinVar's aggregate classification.

Genome Diagnostics Laboratory, University Medical Center Utrecht
Classification: Likely benign. Review status: no assertion criteria provided. Collection method: clinical testing. Allele origin: germline. Affected: yes. Study: VKGL Data-share Consensus. Not counted in ClinVar's aggregate classification.